The following is an entry in ClinVar:

NM_052947.4(ALPK2):c.1963G>T (p.Val655Leu)

Gene: ALPK2 (alpha kinase 2; minus strand). Cytogenetic location: 18q21.31.
Variant type: single nucleotide variant.
Coding change: c.1963G>T on transcript NM_052947.4 (MANE Select); coding-DNA position 1963, G replaced by T.
Protein change: p.Val655Leu; replaces valine 655 with leucine.
Molecular consequence: missense variant.
Genome position (GRCh38, 1-based): chr18:58,538,224, C>A on the plus strand (G>T on the coding strand, the complement: ALPK2 is on the minus strand). VCF-style: chr18-58538224-C-A. GRCh37 (hg19) VCF-style: chr18-56205456-C-A.
Other names: short protein forms V655L.
Identifiers: ClinVar variation 1783488 (VCV001783488.2), dbSNP rs2518878326, ClinGen allele CA402572008.

ClinVar aggregate classification (germline): Uncertain significance (1 of 4 stars; one submission).

gnomAD v4.1: 1 of 1,606,214 alleles (0.000062%); highest among the groups gnomAD compares: Non-Finnish European, 0.000085%; no homozygotes.

Submission:

Ambry Genetics
Classification: Uncertain significance. Last evaluated: 2023-12-14. Review status: criteria provided, single submitter. Criteria: Ambry Variant Classification Scheme 2023. Collection method: clinical testing. Allele origin: germline.
Comment: The p.V655L variant (also known as c.1963G>T) is located in coding exon 4 of the ALPK2 gene. The valine at codon 655 is replaced by leucine, an amino acid with highly similar properties. This change occurs in the first base pair of coding exon 4. This amino acid position is conserved. In addition, this alteration is predicted to be tolerated by in silico analysis. Since supporting evidence is limited at this time, the clinical significance of this alteration remains unclear.